The following is an entry in ClinVar:

NM_015426.5(POC1A):c.64G>T (p.Val22Phe)

Gene: POC1A (POC1 centriolar protein A; minus strand). Cytogenetic location: 3p21.2.
Variant type: single nucleotide variant.
Coding change: c.64G>T on transcript NM_015426.5 (MANE Select); coding-DNA position 64, G replaced by T.
Protein change: p.Val22Phe; replaces valine 22 with phenylalanine.
Molecular consequence: missense variant. On other transcripts: 5 prime UTR variant (1).
Genome position (GRCh38, 1-based): chr3:52,151,055, C>A on the plus strand (G>T on the coding strand, the complement: POC1A is on the minus strand). VCF-style: chr3-52151055-C-A. GRCh37 (hg19) VCF-style: chr3-52185071-C-A.
Other names: c.64G>T, p.Val22Phe (NM_001161580.2); c.-51G>T (NM_001161581.2); short protein forms V22F.
Identifiers: ClinVar variation 623370 (VCV000623370.3), dbSNP rs918352190, ClinGen allele CA353052281.

ClinVar aggregate classification (germline): Likely pathogenic (1 of 4 stars; one submission).

Conditions:
Short stature-onychodysplasia-facial dysmorphism-hypotrichosis syndrome. Also called: SOFT SYNDROME; Short stature, onychodysplasia, facial dysmorphism, and hypotrichosis. Identifiers: Orphanet 314394, MedGen C3542022, MONDO:0013894, OMIM 614813.

Submission:

Department of Genetics, Sultan Qaboos University Hospital
Classification: Likely pathogenic for Short stature-onychodysplasia-facial dysmorphism-hypotrichosis syndrome. Last evaluated: 2026-04-01. Review status: criteria provided, single submitter. Criteria: ACMG Guidelines, 2015. Collection method: clinical testing. Allele origin: germline. Affected: yes. Observed: 1 variant allele.
Comment: PP1_Strong, PP4_Supporting, PP3_Supporting, PM2_Supporting